The following is an entry in ClinVar:

ClinVar aggregate classification (germline): Uncertain significance (1 of 4 stars; one submission).

Submission:

Labcorp Genetics (formerly Invitae), Labcorp
Classification: Uncertain significance. Last evaluated: 2024-05-07. Review status: criteria provided, single submitter. Criteria: Invitae Variant Classification Sherloc (09022015). Collection method: clinical testing. Allele origin: germline.
Comment: This sequence change replaces alanine, which is neutral and non-polar, with serine, which is neutral and polar, at codon 758 of the DUOX2 protein (p.Ala758Ser). This variant is not present in population databases (gnomAD no frequency). This variant has not been reported in the literature in individuals affected with DUOX2-related conditions. Advanced modeling of protein sequence and biophysical properties (such as structural, functional, and spatial information, amino acid conservation, physicochemical variation, residue mobility, and thermodynamic stability) performed at Invitae indicates that this missense variant is not expected to disrupt DUOX2 protein function with a negative predictive value of 80%. In summary, the available evidence is currently insufficient to determine the role of this variant in disease. Therefore, it has been classified as a Variant of Uncertain Significance.

NM_001363711.2(DUOX2):c.2272G>T (p.Ala758Ser)

Gene: DUOX2 (dual oxidase 2; minus strand). Cytogenetic location: 15q21.1.
Variant type: single nucleotide variant.
Coding change: c.2272G>T on transcript NM_001363711.2 (MANE Select); coding-DNA position 2272, G replaced by T.
Protein change: p.Ala758Ser; replaces alanine 758 with serine.
Molecular consequence: missense variant.
Genome position (GRCh38, 1-based): chr15:45,105,705, C>A on the plus strand (G>T on the coding strand, the complement: DUOX2 is on the minus strand). VCF-style: chr15-45105705-C-A. GRCh37 (hg19) VCF-style: chr15-45397903-C-A.
Other names: c.2272G>T, p.Ala758Ser (NM_014080.5); short protein forms A758S.
Identifiers: ClinVar variation 3682035 (VCV003682035.2).